The following is an entry in ClinVar:

ClinVar aggregate classification (germline): Uncertain significance. Review status: criteria provided, multiple submitters, no conflicts (2 of 4 stars). 2 submissions from 2 submitters: Uncertain significance (2). Last evaluated 2024-03-07.

Allele frequency attached by ClinVar (database versions not stated): gnomAD exomes below 0.00001.
gnomAD v4.1: 4 of 1,614,184 alleles (0.00025%); highest among the groups gnomAD compares: South Asian, 0.0011%; no homozygotes.

Submissions (2):

Labcorp Genetics (formerly Invitae), Labcorp
Classification: Uncertain significance. Last evaluated: 2024-03-07. Review status: criteria provided, single submitter. Criteria: Invitae Variant Classification Sherloc (09022015). Collection method: clinical testing. Allele origin: germline.
Comment: This sequence change replaces threonine, which is neutral and polar, with serine, which is neutral and polar, at codon 257 of the TRRAP protein (p.Thr257Ser). This variant is present in population databases (no rsID available, gnomAD 0.0009%). This variant has not been reported in the literature in individuals affected with TRRAP-related conditions. ClinVar contains an entry for this variant (Variation ID: 1334597). Advanced modeling of protein sequence and biophysical properties (such as structural, functional, and spatial information, amino acid conservation, physicochemical variation, residue mobility, and thermodynamic stability) performed at Invitae indicates that this missense variant is expected to disrupt TRRAP protein function with a positive predictive value of 80%. In summary, the available evidence is currently insufficient to determine the role of this variant in disease. Therefore, it has been classified as a Variant of Uncertain Significance.

Greenwood Genetic Center Diagnostic Laboratories, Greenwood Genetic Center
Classification: Uncertain significance. Last evaluated: 2021-04-05. Review status: criteria provided, single submitter. Criteria: ACMG Guidelines, 2015. Collection method: clinical testing. Allele origin: germline. Affected: yes.
Comment: PP2, PP3

NM_001375524.1(TRRAP):c.770C>G (p.Thr257Ser)

Gene: TRRAP (transformation/transcription domain associated protein; plus strand). Cytogenetic location: 7q22.1.
Variant type: single nucleotide variant.
Coding change: c.770C>G on transcript NM_001375524.1 (MANE Select); coding-DNA position 770, C replaced by G.
Protein change: p.Thr257Ser; replaces threonine 257 with serine.
Molecular consequence: missense variant.
Genome position (GRCh38, 1-based): chr7:98,899,737, C>G. VCF-style: chr7-98899737-C-G. GRCh37 (hg19) VCF-style: chr7-98497360-C-G.
Other names: c.770C>G, p.Thr257Ser (NM_001244580.2, NM_003496.4); short protein forms T257S.
Identifiers: ClinVar variation 1334597 (VCV001334597.6), dbSNP rs1554406341, ClinGen allele CA368280441.